The following is an entry in ClinVar:

NM_002225.5(IVD):c.*2070C>T

Gene: IVD (isovaleryl-CoA dehydrogenase; plus strand). Cytogenetic location: 15q15.1.
Variant type: single nucleotide variant.
Coding change: c.*2070C>T on transcript NM_002225.5 (MANE Select); 2070 bases downstream of the stop codon, C replaced by T.
Molecular consequence: 3 prime UTR variant. On other transcripts: intron variant (3).
Genome position (GRCh38, 1-based): chr15:40,420,333, C>T. VCF-style: chr15-40420333-C-T. GRCh37 (hg19) VCF-style: chr15-40712532-C-T.
Other names: c.*2070C>T (NM_001159508.3, NM_001354597.3, NM_001354599.3); c.1226-3802C>T (NM_001354600.3); c.1139-3802C>T (NM_001354598.3); c.1138+3971C>T (NM_001354601.3).
Identifiers: ClinVar variation 315827 (VCV000315827.6), dbSNP rs187887699, ClinGen allele CA10641738.
Genomic context (GRCh38, chr15:40,420,333, plus strand): 5'-ACCACCCACAGCTGACTGGGCAGCAGGCACAGGCCCTACCCGAGCAGGCCGGAGTTGGCT[C>T]GCATGACTCCAGCTGAGGCTGCCTGTGTACATTTCTCCAGATACCCTATGGCTAATTTTG-3'

ClinVar aggregate classification (germline): Benign. Review status: criteria provided, multiple submitters, no conflicts (2 of 4 stars). 2 submissions from 2 submitters: Benign (2). Last evaluated 2018-01-13.

Conditions:
Isovaleryl-CoA dehydrogenase deficiency (IVA). Also called: ISOVALERIC ACID CoA DEHYDROGENASE DEFICIENCY; IVD DEFICIENCY; Isovaleric acidemia; Classic Isovaleric Acidemia. Identifiers: Orphanet 33, MedGen C0268575, MONDO:0009475, OMIM 243500.

Allele frequency attached by ClinVar (database versions not stated): gnomAD 0.00062 and 0.00115; TOPMed 0.00067; gnomAD exomes 0.00080; 1000 Genomes Project 0.00439; 1000 Genomes Project 30x 0.00531.
gnomAD v4.1: 878 of 987,682 alleles (0.089%); highest among the groups gnomAD compares: South Asian, 1.7%; 6 homozygotes.

Submissions (2):

Illumina Laboratory Services, Illumina
Classification: Benign for Isovaleryl-CoA dehydrogenase deficiency. Last evaluated: 2018-01-13. Review status: criteria provided, single submitter. Criteria: ICSL Variant Classification Criteria 13 December 2019. Collection method: clinical testing. Allele origin: germline.
Comment: This variant was observed in the ICSL laboratory as part of a predisposition screen in an ostensibly healthy population. It had not been previously curated by ICSL or reported in the Human Gene Mutation Database (HGMD: prior to June 1st, 2018), and was therefore a candidate for classification through an automated scoring system. Utilizing variant allele frequency, disease prevalence and penetrance estimates, and inheritance mode, an automated score was calculated to assess if this variant is too frequent to cause the disease. Based on the score and internal cut-off values, a variant classified as benign is not then subjected to further curation. The score for this variant resulted in a classification of benign for this disease.

Breakthrough Genomics
Classification: Benign. Review status: criteria provided, single submitter. Criteria: ACMG Guidelines, 2015. Collection method: not provided. Allele origin: germline. Inheritance: Autosomal recessive inheritance. Affected: yes.